The following is an entry in ClinVar:

ClinVar aggregate classification (germline): Uncertain significance (1 of 4 stars; one submission).

Conditions:
Emery-Dreifuss muscular dystrophy (EDMD). Also called: Scapuloperoneal syndrome, X-linked (formerly); Humeroperoneal neuromuscular disease, (formerly). Identifiers: Orphanet 261, MedGen C0410189, MONDO:0016830.

gnomAD v4.1: 6 of 1,602,564 alleles (0.00037%); highest among the groups gnomAD compares: Non-Finnish European, 0.00051%; no homozygotes.

Submission:

Labcorp Genetics (formerly Invitae), Labcorp
Classification: Uncertain significance for Emery-Dreifuss muscular dystrophy. Last evaluated: 2023-06-20. Review status: criteria provided, single submitter. Criteria: Invitae Variant Classification Sherloc (09022015). Collection method: clinical testing. Allele origin: germline.
Comment: This sequence change replaces alanine, which is neutral and non-polar, with glycine, which is neutral and non-polar, at codon 353 of the SUN2 protein (p.Ala353Gly). This variant is not present in population databases (gnomAD no frequency). This variant has not been reported in the literature in individuals affected with SUN2-related conditions. An algorithm developed to predict the effect of missense changes on protein structure and function (PolyPhen-2) suggests that this variant is likely to be tolerated. In summary, the available evidence is currently insufficient to determine the role of this variant in disease. Therefore, it has been classified as a Variant of Uncertain Significance.

NM_015374.3(SUN2):c.1058C>G (p.Ala353Gly)

Genes: GTPBP1 (GTP binding protein 1; plus strand), SUN2 (Sad1 and UNC84 domain containing 2; minus strand). Cytogenetic location: 22q13.1.
Variant type: single nucleotide variant.
Coding change: c.1058C>G on transcript NM_015374.3 (MANE Select); coding-DNA position 1058, C replaced by G.
Protein change: p.Ala353Gly; replaces alanine 353 with glycine.
Molecular consequence: missense variant. On other transcripts: intron variant (3).
Genome position (GRCh38, 1-based): chr22:38,742,311, G>C on the plus strand (C>G on the coding strand, the complement: SUN2 is on the minus strand). VCF-style: chr22-38742311-G-C. GRCh37 (hg19) VCF-style: chr22-39138316-G-C.
Other names: c.1058C>G, p.Ala353Gly (NM_001394433.1, NM_001394434.1, NM_001394435.1 and 5 more transcripts); c.968C>G, p.Ala323Gly (NM_001394438.1); c.920C>G, p.Ala307Gly (NM_001394439.1, NM_001394440.1, NM_001394441.1); c.566C>G, p.Ala189Gly (NM_001394443.1); c.615-1879C>G (NM_001394444.1, NM_001394445.1); c.814-1901C>G (NM_001394442.1); c.1121C>G, p.Ala374Gly (NM_001199579.2, NM_001394428.1); c.1151C>G, p.Ala384Gly (NM_001394427.1); and 1 more; short protein forms A189G, A307G, A353G, A368G, A374G, A323G, A384G.
Identifiers: ClinVar variation 3008172 (VCV003008172.3), dbSNP rs760121449, ClinGen allele CA411585167.